The following is an entry in ClinVar:

NM_152383.5(DIS3L2):c.563A>T (p.Asp188Val)

Gene: DIS3L2 (DIS3 like 3'-5' exoribonuclease 2; plus strand). Cytogenetic location: 2q37.1.
Variant type: single nucleotide variant.
Coding change: c.563A>T on transcript NM_152383.5 (MANE Select); coding-DNA position 563, A replaced by T.
Protein change: p.Asp188Val; replaces aspartic acid 188 with valine.
Molecular consequence: missense variant. On other transcripts: non-coding transcript variant (2).
Genome position (GRCh38, 1-based): chr2:232,087,683, A>T. VCF-style: chr2-232087683-A-T. GRCh37 (hg19) VCF-style: chr2-232952393-A-T.
Other names: c.563A>T, p.Asp188Val (NM_001257281.2, NM_001257282.2); short protein forms D188V.
Identifiers: ClinVar variation 463121 (VCV000463121.9), dbSNP rs1553606133, ClinGen allele CA351155257.

ClinVar aggregate classification (germline): Uncertain significance. Review status: criteria provided, multiple submitters, no conflicts (2 of 4 stars). 2 submissions from 2 submitters: Uncertain significance (2). Last evaluated 2025-03-20.

Conditions:
Perlman syndrome (PRLMNS). Identifiers: Orphanet 2849, MedGen C0796113, MONDO:0009965, OMIM 267000.
Inborn genetic diseases. Identifiers: MedGen C0950123, MeSH D030342.

Allele frequency attached by ClinVar (database versions not stated): TOPMed below 0.00001; gnomAD exomes 0.00001.
gnomAD v4.1: 9 of 1,614,130 alleles (0.00056%); highest among the groups gnomAD compares: South Asian, 0.0099%; no homozygotes.

Submissions (2):

Ambry Genetics
Classification: Uncertain significance for Inborn genetic diseases. Last evaluated: 2025-03-20. Review status: criteria provided, single submitter. Criteria: Ambry Variant Classification Scheme 2023. Collection method: clinical testing. Allele origin: germline.

Labcorp Genetics (formerly Invitae), Labcorp
Classification: Uncertain significance for Perlman syndrome. Last evaluated: 2024-04-22. Review status: criteria provided, single submitter. Criteria: Invitae Variant Classification Sherloc (09022015). Collection method: clinical testing. Allele origin: germline.
Comment: This sequence change replaces aspartic acid, which is acidic and polar, with valine, which is neutral and non-polar, at codon 188 of the DIS3L2 protein (p.Asp188Val). This variant is not present in population databases (gnomAD no frequency). This variant has not been reported in the literature in individuals affected with DIS3L2-related conditions. ClinVar contains an entry for this variant (Variation ID: 463121). An algorithm developed to predict the effect of missense changes on protein structure and function (PolyPhen-2) suggests that this variant is likely to be disruptive. In summary, the available evidence is currently insufficient to determine the role of this variant in disease. Therefore, it has been classified as a Variant of Uncertain Significance.